The following is an entry in ClinVar:

NM_024911.7(WLS):c.1606C>T (p.Arg536Cys)

Genes: GNG12-AS1 (GNG12, DIRAS3 and WLS antisense RNA 1; plus strand), WLS (Wnt ligand secretion mediator; minus strand). Cytogenetic location: 1p31.3.
Variant type: single nucleotide variant.
Coding change: c.1606C>T on transcript NM_024911.7 (MANE Select); coding-DNA position 1606, C replaced by T.
Protein change: p.Arg536Cys; replaces arginine 536 with cysteine.
Molecular consequence: missense variant. On other transcripts: intron variant (1).
Genome position (GRCh38, 1-based): chr1:68,126,246, G>A on the plus strand (C>T on the coding strand, the complement: WLS is on the minus strand). VCF-style: chr1-68126246-G-A. GRCh37 (hg19) VCF-style: chr1-68591929-G-A.
Other names: c.1333C>T, p.Arg445Cys (NM_001193334.1); c.1510+11534C>T (NM_001002292.4); short protein forms R445C, R536C.
Identifiers: ClinVar variation 1098570 (VCV001098570.3), dbSNP rs773311381, ClinGen allele CA901539.

ClinVar aggregate classification (germline): Conflicting classifications of pathogenicity. Review status: criteria provided, conflicting classifications (1 of 4 stars). 3 submissions from 3 submitters: Likely pathogenic (1); Uncertain significance (1). 1 of the submissions does not count toward it. Last evaluated 2026-02-13.

Conditions:
Zaki syndrome. Also called: MICROCEPHALY, PROGRESSIVE, WITH DEVELOPMENTAL DELAY, CUPPED EARS, AND DYSMORPHIC FEATURES. Identifiers: MedGen C5562037, MONDO:0859209, OMIM 619648.
WLS syndrome.

Allele frequency attached by ClinVar (database versions not stated): gnomAD exomes below 0.00001; ExAC 0.00001.
gnomAD v4.1: 5 of 1,614,138 alleles (0.00031%); highest among the groups gnomAD compares: Non-Finnish European, 0.00042%; no homozygotes.

Submissions (3):

OLLIN Analises Genomicas, OLLIN
Classification: Uncertain significance for Zaki syndrome. Last evaluated: 2026-02-13. Review status: criteria provided, single submitter. Criteria: ACMG Guidelines 2015 PMID 25741868. Collection method: clinical testing. Allele origin: germline. Observed: 1 variant allele.
Comment: PM2_P, PM3

Gleeson Lab, University of California San Diego - Department of Neuroscience
Classification: Likely pathogenic for WLS syndrome. Last evaluated: 2021-04-21. Review status: criteria provided, single submitter. Criteria: ACMG Guidelines, 2015. Collection method: research. Allele origin: inherited. Affected: yes. Observed: 1 variant allele, 1 homozygote.

OMIM
Classification: Pathogenic for ZAKI SYNDROME. Last evaluated: 2021-12-05. Review status: no assertion criteria provided. Collection method: literature only. Allele origin: germline. Not counted in ClinVar's aggregate classification.

Literature cited by the submitters: PubMed 34587386 (cited by OMIM).